The following is an entry in ClinVar:

ClinVar aggregate classification (germline): Uncertain significance (1 of 4 stars; one submission).

Allele frequency attached by ClinVar (database versions not stated): ExAC 0.00002; gnomAD exomes 0.00003; gnomAD 0.00004; TOPMed 0.00006.
gnomAD v4.1: 19 of 1,613,422 alleles (0.0012%); highest among the groups gnomAD compares: East Asian, 0.011%; no homozygotes.

Submission:

Labcorp Genetics (formerly Invitae), Labcorp
Classification: Uncertain significance. Last evaluated: 2021-11-12. Review status: criteria provided, single submitter. Criteria: Invitae Variant Classification Sherloc (09022015). Collection method: clinical testing. Allele origin: germline.
Comment: This sequence change replaces glycine, which is neutral and non-polar, with serine, which is neutral and polar, at codon 46 of the HMOX1 protein (p.Gly46Ser). This variant is present in population databases (rs747965867, gnomAD 0.02%). This variant has not been reported in the literature in individuals affected with HMOX1-related conditions. Algorithms developed to predict the effect of missense changes on protein structure and function output the following: SIFT: "Tolerated"; PolyPhen-2: "Benign"; Align-GVGD: "Class C0". The serine amino acid residue is found in multiple mammalian species, which suggests that this missense change does not adversely affect protein function. In summary, the available evidence is currently insufficient to determine the role of this variant in disease. Therefore, it has been classified as a Variant of Uncertain Significance.

NM_002133.3(HMOX1):c.136G>A (p.Gly46Ser)

Gene: HMOX1 (heme oxygenase 1; plus strand). Cytogenetic location: 22q12.3.
Variant type: single nucleotide variant.
Coding change: c.136G>A on transcript NM_002133.3 (MANE Select); coding-DNA position 136, G replaced by A.
Protein change: p.Gly46Ser; replaces glycine 46 with serine.
Molecular consequence: missense variant.
Genome position (GRCh38, 1-based): chr22:35,383,218, G>A. VCF-style: chr22-35383218-G-A. GRCh37 (hg19) VCF-style: chr22-35779211-G-A.
Other names: short protein forms G46S.
Identifiers: ClinVar variation 1464608 (VCV001464608.3), dbSNP rs747965867, ClinGen allele CA10204624.
Genomic context (GRCh38, chr22:35,383,218, plus strand): 5'-ACCCAGGCAGAGAATGCTGAGTTCATGAGGAACTTTCAGAAGGGCCAGGTGACCCGAGAC[G>A]GCTTCAAGGTATGTGGCTTGGTGGGACTAGCCCTGGTGGAGGGTGTGGCAGGTGTGGGTG-3'
Protein context (NP_002124.1, residues 36-56): NFQKGQVTRD[Gly46Ser]FKLVMASLYH